The following is an entry in ClinVar:

ClinVar aggregate classification (germline): Uncertain significance. Review status: criteria provided, multiple submitters, no conflicts (2 of 4 stars). 2 submissions from 2 submitters: Uncertain significance (2). Last evaluated 2026-03-29.

Conditions:
TJP2-related disorder. Also called: TJP2-related condition.
Inborn genetic diseases. Identifiers: MedGen C0950123, MeSH D030342.

Allele frequency attached by ClinVar (database versions not stated): ExAC 0.00001; gnomAD 0.00002; ESP Exome Variant Server 0.00008.
gnomAD v4.1: 13 of 1,613,996 alleles (0.00081%); highest among the groups gnomAD compares: African/African-American, 0.004%; no homozygotes.

Submissions (2):

PreventionGenetics, part of Exact Sciences
Classification: Uncertain significance for TJP2-related condition. Last evaluated: 2026-03-29. Review status: criteria provided, single submitter. Criteria: ACMG Guidelines, 2015. Collection method: clinical testing. Allele origin: germline.
Comment: The TJP2 c.1337C>T variant is predicted to result in the amino acid substitution p.Pro446Leu. To our knowledge, this variant has not been reported in the literature. This variant is reported in 0.0062% of alleles in individuals of African descent in gnomAD. At this time, the clinical significance of this variant is uncertain due to the absence of conclusive functional and genetic evidence.

Ambry Genetics
Classification: Uncertain significance for Inborn genetic diseases. Last evaluated: 2023-04-07. Review status: criteria provided, single submitter. Criteria: Ambry Variant Classification Scheme 2023. Collection method: clinical testing. Allele origin: germline.

NM_004817.4(TJP2):c.1337C>T (p.Pro446Leu)

Gene: TJP2 (tight junction protein 2; plus strand). Cytogenetic location: 9q21.11.
Variant type: single nucleotide variant.
Coding change: c.1337C>T on transcript NM_004817.4 (MANE Select); coding-DNA position 1337, C replaced by T.
Protein change: p.Pro446Leu; replaces proline 446 with leucine.
Molecular consequence: missense variant.
Genome position (GRCh38, 1-based): chr9:69,227,998, C>T. VCF-style: chr9-69227998-C-T. GRCh37 (hg19) VCF-style: chr9-71842914-C-T.
Other names: c.1268C>T, p.Pro423Leu (NM_001170414.2, NM_001369871.1); c.1349C>T, p.Pro450Leu (NM_001170415.1, NM_001369874.1, NM_001369875.1); c.1430C>T, p.Pro477Leu (NM_001170416.2); c.1262C>T, p.Pro421Leu (NM_001369870.1); c.1337C>T, p.Pro446Leu (NM_001369872.1, NM_001369873.1, NM_201629.3); short protein forms P446L, P477L, P421L, P450L, P423L.
Identifiers: ClinVar variation 2519568 (VCV002519568.3), dbSNP rs150193775, ClinGen allele CA5073281.